The following is an entry in ClinVar:

NM_000260.4(MYO7A):c.5715_5718delinsGGTCTACT (p.Phe1908fs)

Gene: MYO7A (myosin VIIA; plus strand). Cytogenetic location: 11q13.5.
Variant type: Indel.
Coding change: c.5715_5718delinsGGTCTACT on transcript NM_000260.4 (MANE Select); coding-DNA positions 5715 to 5718, AGTC replaced by GGTCTACT.
Protein change: p.Phe1908fs; shifts the reading frame from phenylalanine 1908.
Molecular consequence: frameshift variant.
Genome position (GRCh38, 1-based): chr11:77,206,175-77,206,178, AGTC replaced by GGTCTACT. VCF-style: chr11-77206175-AGTC-GGTCTACT. GRCh37 (hg19) VCF-style: chr11-76917220-AGTC-GGTCTACT.
Other names: c.5601_5604delinsGGTCTACT, p.Phe1870fs (NM_001127180.2); c.5568_5571delinsGGTCTACT, p.Phe1859fs (NM_001369365.1); short protein forms F1870fs, F1859fs, F1908fs.
Identifiers: ClinVar variation 5004586 (VCV005004586.1).

ClinVar aggregate classification (germline): Pathogenic (1 of 4 stars; one submission).

Conditions:
Usher syndrome type 1 (USH1). Also called: RETINITIS PIGMENTOSA AND CONGENITAL DEAFNESS. Identifiers: Orphanet 231169, Orphanet 886, MedGen C1568247, MONDO:0010168, OMIM 276900.

Submission:

Myriad Genetics, Inc.
Classification: Pathogenic for Usher syndrome type 1. Last evaluated: 2026-04-08. Review status: criteria provided, single submitter. Criteria: Myriad Autosomal Dominant, Autosomal Recessive and X-Linked Classification Criteria (2023). Collection method: clinical testing. Allele origin: unknown.
Comment: NM_000260.3(MYO7A):c.5715_5718del4ins8(F1908Lfs*4) is a frameshift variant classified as pathogenic in the context of MYO7A-related disorders. F1908Lfs*4 has not been observed in cases with relevant disease. Relevant functional assessments of this variant are not available in the literature. F1908Lfs*4 has not been observed in referenced population frequency databases. In summary, NM_000260.3(MYO7A):c.5715_5718del4ins8(F1908Lfs*4) is a frameshift variant in a gene where loss of function is a known mechanism of disease, is predicted to disrupt protein function, and has been observed more frequently in cases with the relevant disease than in healthy populations. Please note: this variant was assessed in the context of healthy population screening.